The following is an entry in ClinVar:

NM_004329.3(BMPR1A):c.1096A>C (p.Lys366Gln)

Gene: BMPR1A (bone morphogenetic protein receptor type 1A; plus strand). Cytogenetic location: 10q23.2.
Variant type: single nucleotide variant.
Coding change: c.1096A>C on transcript NM_004329.3 (MANE Select); coding-DNA position 1096, A replaced by C.
Protein change: p.Lys366Gln; replaces lysine 366 with glutamine.
Molecular consequence: missense variant.
Genome position (GRCh38, 1-based): chr10:86,919,399, A>C. VCF-style: chr10-86919399-A-C. GRCh37 (hg19) VCF-style: chr10-88679156-A-C.
Other names: short protein forms K366Q.
Identifiers: ClinVar variation 662735 (VCV000662735.10), dbSNP rs1589291778, ClinGen allele CA377460854.
Genomic context (GRCh38, chr10:86,919,399, plus strand): 5'-CACACAGAAATTTATGGCACCCAAGGAAAGCCCGCAATTGCTCATCGAGACCTAAAGAGC[A>C]AAAACATCCTCATCAAGAAAAATGGGAGTTGCTGCATTGCTGACCTGGGCCTTGCTGTTA-3'
Protein context (NP_004320.2, residues 356-376): PAIAHRDLKS[Lys366Gln]NILIKKNGSC

ClinVar aggregate classification (germline): Uncertain significance (1 of 4 stars; one submission).

Conditions:
Juvenile polyposis syndrome (JPS). Identifiers: Orphanet 2929, MedGen C0345893, MONDO:0017380, OMIM 174900.

Submission:

Labcorp Genetics (formerly Invitae), Labcorp
Classification: Uncertain significance for Juvenile polyposis syndrome. Last evaluated: 2022-10-26. Review status: criteria provided, single submitter. Criteria: Invitae Variant Classification Sherloc (09022015). Collection method: clinical testing. Allele origin: germline.
Comment: This sequence change replaces lysine, which is basic and polar, with glutamine, which is neutral and polar, at codon 366 of the BMPR1A protein (p.Lys366Gln). This variant is not present in population databases (gnomAD no frequency). This variant has not been reported in the literature in individuals affected with BMPR1A-related conditions. ClinVar contains an entry for this variant (Variation ID: 662735). Advanced modeling of protein sequence and biophysical properties (such as structural, functional, and spatial information, amino acid conservation, physicochemical variation, residue mobility, and thermodynamic stability) performed at Invitae indicates that this missense variant is not expected to disrupt BMPR1A protein function. In summary, the available evidence is currently insufficient to determine the role of this variant in disease. Therefore, it has been classified as a Variant of Uncertain Significance.